The following is an entry in ClinVar:

ClinVar aggregate classification (germline): Conflicting classifications of pathogenicity. Review status: criteria provided, conflicting classifications (1 of 4 stars). 2 submissions from 2 submitters: Likely pathogenic (1); Uncertain significance (1). Last evaluated 2020-11-16.

Conditions:
Autosomal recessive limb-girdle muscular dystrophy type 2N. Also called: MUSCULAR DYSTROPHY-DYSTROGLYCANOPATHY, LIMB-GIRDLE, POMT2-RELATED; Muscular dystrophy-dystroglycanopathy (limb-girdle), type C, 2. Identifiers: Orphanet 206559, MedGen C3150418, MONDO:0013162, OMIM 613158.

Submissions (2):

Kariminejad - Najmabadi Pathology & Genetics Center
Classification: Likely pathogenic for Autosomal recessive limb-girdle muscular dystrophy type 2N. Last evaluated: 2020-11-16. Review status: criteria provided, single submitter. Criteria: ACMG Guidelines, 2015. Collection method: clinical testing. Allele origin: germline. Inheritance: Autosomal recessive inheritance. Affected: yes.
Comment: [PM1, PM2, PP3, PP5]

Genetic Services Laboratory, University of Chicago
Classification: Uncertain significance. Last evaluated: 2016-08-04. Review status: criteria provided, single submitter. Criteria: ACMG Guidelines, 2015. Collection method: clinical testing. Allele origin: germline. Affected: no.

NM_013382.7(POMT2):c.713G>T (p.Gly238Val)

Genes: POMT2 (protein O-mannosyltransferase 2; minus strand), LOC130056175 (ATAC-STARR-seq lymphoblastoid silent region 5968; plus strand). Cytogenetic location: 14q24.3.
Variant type: single nucleotide variant.
Coding change: c.713G>T on transcript NM_013382.7 (MANE Select); coding-DNA position 713, G replaced by T.
Protein change: p.Gly238Val; replaces glycine 238 with valine.
Molecular consequence: missense variant.
Genome position (GRCh38, 1-based): chr14:77,301,193, C>A on the plus strand (G>T on the coding strand, the complement: POMT2 is on the minus strand). VCF-style: chr14-77301193-C-A. GRCh37 (hg19) VCF-style: chr14-77767536-C-A.
Other names: short protein forms G238V.
Identifiers: ClinVar variation 436381 (VCV000436381.7), dbSNP rs1555354172, ClinGen allele CA390520289.